The following is an entry in ClinVar:

NM_000166.6(GJB1):c.52_54del (p.Thr18del)

Gene: GJB1 (gap junction protein beta 1; plus strand). Cytogenetic location: Xq13.1.
Variant type: Deletion.
Coding change: c.52_54del on transcript NM_000166.6 (MANE Select); coding-DNA positions 52 to 54, 3 bases deleted (ACT; older notation c.52_54delACT).
Protein change: p.Thr18del; deletes threonine 18.
Molecular consequence: inframe deletion.
Genome position (GRCh38, 1-based): chrX:71,223,759-71,223,761, ACT deleted; deleting any 3 consecutive bases within chrX:71,223,757-71,223,761 gives the same sequence; the c. name uses the placement nearest the transcript's 3' end. VCF-style (leftmost placement, unchanged base first): chrX-71223756-TCTA-T. GRCh37 (hg19) VCF-style: chrX-70443606-TCTA-T.
Other names: c.52_54del, p.Thr18del (NM_001097642.3); short protein forms T18del.
Identifiers: ClinVar variation 860278 (VCV000860278.8), dbSNP rs2092542190, ClinGen allele CA916081269.
Genomic context (GRCh38, chrX:71,223,756, plus strand): 5'-GAATGAGGCAGGATGAACTGGACAGGTTTGTACACCTTGCTCAGTGGCGTGAACCGGCAT[TCTA>T]CTGCCATTGGCCGAGTATGGCTCTCGGTCATCTTCATCTTCAGAATCATGGTGCTGGTGG-3'

ClinVar aggregate classification (germline): Pathogenic (1 of 4 stars; one submission).

Conditions:
Charcot-Marie-Tooth Neuropathy X. Identifiers: MedGen CN118851.

Submission:

Labcorp Genetics (formerly Invitae), Labcorp
Classification: Pathogenic for Charcot-Marie-Tooth Neuropathy X. Last evaluated: 2023-07-14. Review status: criteria provided, single submitter. Criteria: Invitae Variant Classification Sherloc (09022015). Collection method: clinical testing. Allele origin: germline.
Comment: This variant has been observed in individual(s) with Charcot-Marie-Tooth disease (Invitae). This variant is not present in population databases (gnomAD no frequency). This variant, c.52_54del, results in the deletion of 1 amino acid(s) of the GJB1 protein (p.Thr18del), but otherwise preserves the integrity of the reading frame. ClinVar contains an entry for this variant (Variation ID: 860278). For these reasons, this variant has been classified as Pathogenic. This variant disrupts a region of the GJB1 protein in which other variant(s) (p.Thr18Ser) have been determined to be pathogenic (Invitae). This suggests that this is a clinically significant region of the protein, and that variants that disrupt it are likely to be disease-causing.